The following is an entry in ClinVar:

NM_000038.6(APC):c.2997A>T (p.Gln999His)

Gene: APC (APC regulator of Wnt signaling pathway; plus strand). Cytogenetic location: 5q22.2.
Variant type: single nucleotide variant.
Coding change: c.2997A>T on transcript NM_000038.6 (MANE Select); coding-DNA position 2997, A replaced by T.
Protein change: p.Gln999His; replaces glutamine 999 with histidine.
Molecular consequence: missense variant. On other transcripts: non-coding transcript variant (2).
Genome position (GRCh38, 1-based): chr5:112,838,591, A>T. VCF-style: chr5-112838591-A-T. GRCh37 (hg19) VCF-style: chr5-112174288-A-T.
Other names: c.2997A>T, p.Gln999His (NM_001127510.3, NM_001354895.2, NM_001407450.1); c.2943A>T, p.Gln981His (NM_001127511.3); c.3051A>T, p.Gln1017His (NM_001354896.2, NM_001407447.1, NM_001407448.1 and 1 more transcripts); c.3027A>T, p.Gln1009His (NM_001354897.2); c.2922A>T, p.Gln974His (NM_001354898.2); c.2913A>T, p.Gln971His (NM_001354899.2); c.2874A>T, p.Gln958His (NM_001354900.2); c.2820A>T, p.Gln940His (NM_001354901.2, NM_001407453.1); and 11 more; short protein forms Q1009H, Q898H, Q999H, Q1017H, Q716H, Q916H, Q958H, Q981H.
Identifiers: ClinVar variation 3410693 (VCV003410693.1).
Genomic context (GRCh38, chr5:112,838,591, plus strand): 5'-GAAACCCTCGATTGAATCCTATTCTGAAGATGATGAAAGTAAGTTTTGCAGTTATGGTCA[A>T]TACCCAGCCGACCTAGCCCATAAAATACATAGTGCAAATCATATGGATGATAATGATGGA-3'
Protein context (NP_000029.2, residues 989-1009): DDESKFCSYG[Gln999His]YPADLAHKIH

ClinVar aggregate classification (germline): Uncertain significance (1 of 4 stars; one submission).

Conditions:
Hereditary cancer-predisposing syndrome. Also called: Neoplastic Syndromes, Hereditary; Tumor predisposition; Hereditary Cancer Syndrome; Hereditary neoplastic syndrome. Identifiers: Orphanet 140162, MedGen C0027672, MeSH D009386, MONDO:0015356.

Submission:

Ambry Genetics
Classification: Uncertain significance for Hereditary cancer-predisposing syndrome. Last evaluated: 2024-08-31. Review status: criteria provided, single submitter. Criteria: Ambry Variant Classification Scheme 2023. Collection method: clinical testing. Allele origin: germline.
Comment: The p.Q999H variant (also known as c.2997A>T), located in coding exon 15 of the APC gene, results from an A to T substitution at nucleotide position 2997. The glutamine at codon 999 is replaced by histidine, an amino acid with highly similar properties. This amino acid position is conserved. In addition, in silico predictors for this gene do not accurately predict pathogenicity. Based on the available evidence, the clinical significance of this variant remains unclear.